The following is an entry in ClinVar:

NM_005629.4(SLC6A8):c.990C>T (p.Tyr330=)

Gene: SLC6A8 (solute carrier family 6 member 8; plus strand). Cytogenetic location: Xq28.
Variant type: single nucleotide variant.
Coding change: c.990C>T on transcript NM_005629.4 (MANE Select); coding-DNA position 990, C replaced by T.
Protein change: p.Tyr330=; no amino-acid change (tyrosine 330 retained).
Molecular consequence: synonymous variant.
Genome position (GRCh38, 1-based): chrX:153,693,340, C>T. VCF-style: chrX-153693340-C-T. GRCh37 (hg19) VCF-style: chrX-152958795-C-T.
Other names: c.990C>T, p.Tyr330= (NM_001142805.2); c.645C>T, p.Tyr215= (NM_001142806.1).
Identifiers: ClinVar variation 389007 (VCV000389007.5), dbSNP rs1057523301, ClinGen allele CA16609142.

ClinVar aggregate classification (germline): Likely benign. Review status: criteria provided, multiple submitters, no conflicts (2 of 4 stars). 2 submissions from 2 submitters: Likely benign (2). Last evaluated 2022-03-14.

Conditions:
Creatine transporter deficiency (CCDS1). Also called: SLC6A8-Related Creatine Transporter Deficiency; CREATINE TRANSPORTER DEFECT; CEREBRAL CREATINE DEFICIENCY SYNDROME 1; Mental retardation , X-linked with seizures, short stature and midface hypoplasia; Mental retardation , X-linked, with creatine transport deficiency; X-linked creatine transporter deficiency. Identifiers: Orphanet 52503, MedGen C1845862, MONDO:0010305, OMIM 300352.

Submissions (2):

Labcorp Genetics (formerly Invitae), Labcorp
Classification: Likely benign for Creatine transporter deficiency. Last evaluated: 2022-03-14. Review status: criteria provided, single submitter. Criteria: Invitae Variant Classification Sherloc (09022015). Collection method: clinical testing. Allele origin: germline.

GeneDx
Classification: Likely benign. Last evaluated: 2016-09-01. Review status: criteria provided, single submitter. Criteria: GeneDx Variant Classification (06012015). Collection method: clinical testing. Allele origin: germline. Affected: yes.
Comment: This variant is considered likely benign or benign based on one or more of the following criteria: it is a conservative change, it occurs at a poorly conserved position in the protein, it is predicted to be benign by multiple in silico algorithms, and/or has population frequency not consistent with disease.